The following is an entry in ClinVar:

NM_000287.4(PEX6):c.1688+3A>G

Gene: PEX6 (peroxisomal biogenesis factor 6; minus strand). Cytogenetic location: 6p21.1.
Variant type: single nucleotide variant.
Coding change: c.1688+3A>G on transcript NM_000287.4 (MANE Select); 3 bases into the intron after coding-DNA position 1688, A replaced by G.
Molecular consequence: intron variant.
Genome position (GRCh38, 1-based): chr6:42,968,287, T>C on the plus strand (A>G on the coding strand, the complement: PEX6 is on the minus strand). VCF-style: chr6-42968287-T-C. GRCh37 (hg19) VCF-style: chr6-42936025-T-C.
Other names: c.1424+3A>G (NM_001316313.2).
Identifiers: ClinVar variation 595686 (VCV000595686.8), dbSNP rs111397663, ClinGen allele CA138225394.

ClinVar aggregate classification (germline): Uncertain significance. Review status: criteria provided, multiple submitters, no conflicts (2 of 4 stars). 2 submissions from 2 submitters: Uncertain significance (2). Last evaluated 2022-03-10.

Conditions:
Peroxisome biogenesis disorder. Identifiers: Orphanet 79189, MedGen C1832200, MONDO:0019234. Disease mechanism: loss of function.

Allele frequency attached by ClinVar (database versions not stated): gnomAD exomes below 0.00001; gnomAD 0.00001.
gnomAD v4.1: 2 of 1,613,284 alleles (0.00012%); highest among the groups gnomAD compares: Middle Eastern, 0.017%; no homozygotes.

Submissions (2):

Labcorp Genetics (formerly Invitae), Labcorp
Classification: Uncertain significance for Peroxisome biogenesis disorder. Last evaluated: 2022-03-10. Review status: criteria provided, single submitter. Criteria: Invitae Variant Classification Sherloc (09022015). Collection method: clinical testing. Allele origin: germline.
Comment: This sequence change falls in intron 7 of the PEX6 gene. It does not directly change the encoded amino acid sequence of the PEX6 protein. It affects a nucleotide within the consensus splice site. This variant is not present in population databases (gnomAD no frequency). This variant has not been reported in the literature in individuals affected with PEX6-related conditions. ClinVar contains an entry for this variant (Variation ID: 595686). Variants that disrupt the consensus splice site are a relatively common cause of aberrant splicing (PMID: 17576681, 9536098). Algorithms developed to predict the effect of sequence changes on RNA splicing suggest that this variant may create or strengthen a splice site. In summary, the available evidence is currently insufficient to determine the role of this variant in disease. Therefore, it has been classified as a Variant of Uncertain Significance.

Eurofins Ntd Llc (ga)
Classification: Uncertain significance. Last evaluated: 2018-01-09. Review status: criteria provided, single submitter. Criteria: EGL Classification Definitions 2015. Collection method: clinical testing. Allele origin: germline. Observed: 1 variant allele, 1 heterozygote.

Literature cited by the submitters: PubMed 17576681 (cited by Labcorp Genetics (formerly Invitae), Labcorp); PubMed 9536098 (cited by Labcorp Genetics (formerly Invitae), Labcorp).